The following is an entry in ClinVar:

NM_183357.3(ADCY5):c.1503T>C (p.Phe501=)

Gene: ADCY5 (adenylate cyclase 5; minus strand). Cytogenetic location: 3q21.1.
Variant type: single nucleotide variant.
Coding change: c.1503T>C on transcript NM_183357.3 (MANE Select); coding-DNA position 1503, T replaced by C.
Protein change: p.Phe501=; no amino-acid change (phenylalanine 501 retained).
Molecular consequence: synonymous variant.
Genome position (GRCh38, 1-based): chr3:123,332,579, A>G on the plus strand (T>C on the coding strand, the complement: ADCY5 is on the minus strand). VCF-style: chr3-123332579-A-G. GRCh37 (hg19) VCF-style: chr3-123051426-A-G.
Other names: c.453T>C, p.Phe151= (NM_001199642.1); c.1503T>C, p.Phe501= (NM_001378259.1).
Identifiers: ClinVar variation 2654079 (VCV002654079.24), dbSNP rs2472873042, ClinGen allele CA435294269.

ClinVar aggregate classification (germline): Likely benign (1 of 4 stars; one submission).

Allele frequency attached by ClinVar (database versions not stated): gnomAD exomes below 0.00001.
gnomAD v4.1: 1 of 1,613,028 alleles (0.000062%); highest among the groups gnomAD compares: Non-Finnish European, 0.000085%; no homozygotes.

Submission:

CeGaT Center for Human Genetics Tuebingen
Classification: Likely benign. Last evaluated: 2022-07-01. Review status: criteria provided, single submitter. Criteria: CeGaT Center For Human Genetics Tuebingen Variant Classification Criteria Version 2. Collection method: clinical testing. Allele origin: germline. Affected: yes. Observed: 1 variant allele.
Comment: ADCY5: PM2:Supporting, BP4, BP7